The following is an entry in ClinVar:

ClinVar aggregate classification (germline): Benign/Likely benign. Review status: criteria provided, multiple submitters, no conflicts (2 of 4 stars). 5 submissions from 5 submitters: Benign (1); Likely benign (3). 1 of the submissions does not count toward it. Last evaluated 2026-01-11.

Conditions:
Familial cancer of breast. Also called: BREAST CANCER, FAMILIAL; Hereditary breast cancer; hereditary breast carcinoma. Identifiers: Orphanet 227535, MedGen C0346153, MONDO:0016419, OMIM 114480. Disease mechanism: loss of function.
Hereditary cancer-predisposing syndrome. Also called: Hereditary neoplastic syndrome; Neoplastic Syndromes, Hereditary; Tumor predisposition; Hereditary Cancer Syndrome. Identifiers: Orphanet 140162, MedGen C0027672, MeSH D009386, MONDO:0015356.
Ataxia-telangiectasia syndrome (AT). Also called: LOUIS-BAR SYNDROME; Cerebello-oculocutaneous telangiectasia; Immunodeficiency with ataxia telangiectasia; AT, COMPLEMENTATION GROUP C; Ataxia-telangiectasia, complementation group D; ATAXIA-TELANGIECTASIA, COMPLEMENTATION GROUP A. Identifiers: Orphanet 100, MedGen C0004135, MONDO:0008840, OMIM 208900.

Allele frequency attached by ClinVar (database versions not stated): ExAC 0.00001; gnomAD exomes 0.00001.
gnomAD v4.1: 3 of 1,613,966 alleles (0.00019%); highest among the groups gnomAD compares: Non-Finnish European, 0.00025%; no homozygotes.

Submissions (5):

Labcorp Genetics (formerly Invitae), Labcorp
Classification: Likely benign for Ataxia-telangiectasia syndrome. Last evaluated: 2026-01-11. Review status: criteria provided, single submitter. Criteria: Invitae Variant Classification Sherloc (09022015). Collection method: clinical testing. Allele origin: germline.

Myriad Genetics, Inc.
Classification: Benign for Familial cancer of breast. Last evaluated: 2024-05-20. Review status: criteria provided, single submitter. Criteria: Myriad Autosomal Dominant, Autosomal Recessive and X-Linked Classification Criteria (2023). Collection method: clinical testing. Allele origin: unknown.
Comment: This variant is considered benign. This variant is a silent/synonymous amino acid change and it is not expected to impact splicing.

Color Diagnostics, LLC DBA Color Health
Classification: Likely benign for Hereditary cancer-predisposing syndrome. Last evaluated: 2017-08-14. Review status: criteria provided, single submitter. Criteria: ACMG Guidelines, 2015. Collection method: clinical testing. Allele origin: germline.

Ambry Genetics
Classification: Likely benign for Hereditary cancer-predisposing syndrome. Last evaluated: 2017-05-18. Review status: criteria provided, single submitter. Criteria: Ambry Variant Classification Scheme 2023. Collection method: clinical testing. Allele origin: germline.

Natera, Inc.
Classification: Uncertain significance for Ataxia-telangiectasia. Last evaluated: 2025-04-10. Review status: no assertion criteria provided. Collection method: clinical testing. Allele origin: germline. Not counted in ClinVar's aggregate classification.

NM_000051.4(ATM):c.4467T>C (p.Arg1489=)

Gene: ATM (ATM serine/threonine kinase; plus strand). Cytogenetic location: 11q22.3.
Variant type: single nucleotide variant.
Coding change: c.4467T>C on transcript NM_000051.4 (MANE Select); coding-DNA position 4467, T replaced by C.
Protein change: p.Arg1489=; no amino-acid change (arginine 1489 retained).
Molecular consequence: synonymous variant.
Genome position (GRCh38, 1-based): chr11:108,292,649, T>C. VCF-style: chr11-108292649-T-C. GRCh37 (hg19) VCF-style: chr11-108163376-T-C.
Other names: c.4467T>C, p.Arg1489= (NM_001351834.2).
Identifiers: ClinVar variation 482727 (VCV000482727.17), dbSNP rs746296827, ClinGen allele CA6265481.
Genomic context (GRCh38, chr11:108,292,649, plus strand): 5'-TGTTGTTGTTTTTTTTTCTCCCTATATTAGGCCTTCTTGTATCATGGATGTGTCATTACG[T>C]AGCTTCTCCCTTTGTTGTGACTTATTAAGTCAGGTTTGCCAGACAGCCGTGACTTACTGT-3'
Protein context (NP_000042.3, residues 1479-1499): RPSCIMDVSL[Arg1489=]SFSLCCDLLS